The following is an entry in ClinVar:

ClinVar aggregate classification (germline): Uncertain significance. Review status: criteria provided, multiple submitters, no conflicts (2 of 4 stars). 2 submissions from 2 submitters: Uncertain significance (2). Last evaluated 2024-03-05.

Allele frequency attached by ClinVar (database versions not stated): gnomAD 0.00001; gnomAD exomes 0.00001; TOPMed 0.00001; ExAC 0.00002; 1000 Genomes Project 30x 0.00016; 1000 Genomes Project 0.00020.
gnomAD v4.1: 7 of 1,613,648 alleles (0.00043%); highest among the groups gnomAD compares: East Asian, 0.013%; no homozygotes.

Submissions (2):

Blueprint Genetics
Classification: Uncertain significance. Last evaluated: 2024-03-05. Review status: criteria provided, single submitter. Criteria: ACMG Guidelines, 2015. Collection method: clinical testing. Allele origin: germline.

Labcorp Genetics (formerly Invitae), Labcorp
Classification: Uncertain significance. Last evaluated: 2022-04-09. Review status: criteria provided, single submitter. Criteria: Invitae Variant Classification Sherloc (09022015). Collection method: clinical testing. Allele origin: germline.
Comment: This sequence change replaces threonine, which is neutral and polar, with alanine, which is neutral and non-polar, at codon 313 of the CACNA2D4 protein (p.Thr313Ala). This variant is present in population databases (rs199690703, gnomAD 0.03%). This variant has not been reported in the literature in individuals affected with CACNA2D4-related conditions. Algorithms developed to predict the effect of missense changes on protein structure and function (SIFT, PolyPhen-2, Align-GVGD) all suggest that this variant is likely to be disruptive. In summary, the available evidence is currently insufficient to determine the role of this variant in disease. Therefore, it has been classified as a Variant of Uncertain Significance.

NM_172364.5(CACNA2D4):c.937A>G (p.Thr313Ala)

Gene: CACNA2D4 (calcium voltage-gated channel auxiliary subunit alpha2delta 4; minus strand). Cytogenetic location: 12p13.33.
Variant type: single nucleotide variant.
Coding change: c.937A>G on transcript NM_172364.5 (MANE Select); coding-DNA position 937, A replaced by G.
Protein change: p.Thr313Ala; replaces threonine 313 with alanine.
Molecular consequence: missense variant.
Genome position (GRCh38, 1-based): chr12:1,886,279, T>C on the plus strand (A>G on the coding strand, the complement: CACNA2D4 is on the minus strand). VCF-style: chr12-1886279-T-C. GRCh37 (hg19) VCF-style: chr12-1995445-T-C.
Other names: short protein forms T313A.
Identifiers: ClinVar variation 1936972 (VCV001936972.6), dbSNP rs199690703, ClinGen allele CA6387355.
Genomic context (GRCh38, chr12:1,886,279, plus strand): 5'-TTACCGCTATGATATTAATGAAGTCATTCTCCCCCAGGGTGTCCAAGATGGTGGTGATGG[T>C]GTGCTTGGCAATAGTCATCCTCAGCCCCTTCATACTGCCGCTCACGTCCACCAAAATCAC-3'
Protein context (NP_758952.4, residues 303-323): KGLRMTIAKH[Thr313Ala]ITTILDTLGE